The following is an entry in ClinVar:

ClinVar aggregate classification (germline): Benign. Review status: criteria provided, multiple submitters, no conflicts (2 of 4 stars). 7 submissions from 7 submitters: Benign (4). 3 of the submissions do not count toward it. Last evaluated 2026-01-26.

Conditions:
LRIT3-related disorder. Also called: LRIT3-related condition.
Congenital stationary night blindness 1F. Also called: Night blindness, congenital stationary (complete), 1F, autosomal recessive. Identifiers: Orphanet 215, MedGen C3554399, MONDO:0014026, OMIM 615058.

Allele frequency attached by ClinVar (database versions not stated): gnomAD 0.00111 and 0.00176; TOPMed 0.00127; gnomAD exomes 0.00271 and 0.00372; ExAC 0.00402.

Submissions (7):

Labcorp Genetics (formerly Invitae), Labcorp
Classification: Benign. Last evaluated: 2026-01-26. Review status: criteria provided, single submitter. Criteria: Invitae Variant Classification Sherloc (09022015). Collection method: clinical testing. Allele origin: germline.

Illumina Laboratory Services, Illumina
Classification: Benign for Congenital stationary night blindness 1F. Last evaluated: 2018-01-13. Review status: criteria provided, single submitter. Criteria: ICSL Variant Classification Criteria 13 December 2019. Collection method: clinical testing. Allele origin: germline.
Comment: This variant was observed in the ICSL laboratory as part of a predisposition screen in an ostensibly healthy population. It had not been previously curated by ICSL or reported in the Human Gene Mutation Database (HGMD: prior to June 1st, 2018), and was therefore a candidate for classification through an automated scoring system. Utilizing variant allele frequency, disease prevalence and penetrance estimates, and inheritance mode, an automated score was calculated to assess if this variant is too frequent to cause the disease. Based on the score and internal cut-off values, a variant classified as benign is not then subjected to further curation. The score for this variant resulted in a classification of benign for this disease.

Eurofins Ntd Llc (ga)
Classification: Benign. Last evaluated: 2017-02-08. Review status: criteria provided, single submitter. Criteria: EGL Classification Definitions 2015. Collection method: clinical testing. Allele origin: germline. Observed: 1 variant allele, 1 heterozygote.

Breakthrough Genomics
Classification: Benign. Review status: criteria provided, single submitter. Criteria: ACMG Guidelines, 2015. Collection method: not provided. Allele origin: germline. Inheritance: Autosomal recessive inheritance. Affected: yes.

PreventionGenetics, part of Exact Sciences
Classification: Benign for LRIT3-related condition. Last evaluated: 2024-04-29. Review status: no assertion criteria provided. Collection method: clinical testing. Allele origin: germline. Not counted in ClinVar's aggregate classification.
Comment: This variant is classified as benign based on ACMG/AMP sequence variant interpretation guidelines (Richards et al. 2015 PMID: 25741868, with internal and published modifications).

Clinical Genetics DNA and cytogenetics Diagnostics Lab, Erasmus MC, Erasmus Medical Center
Classification: Likely benign. Review status: no assertion criteria provided. Collection method: clinical testing. Allele origin: germline. Affected: yes. Study: VKGL Data-share Consensus. Not counted in ClinVar's aggregate classification.

Clinical Genetics, Academic Medical Center
Classification: Benign. Review status: no assertion criteria provided. Collection method: clinical testing. Allele origin: germline. Affected: yes. Study: VKGL Data-share Consensus. Not counted in ClinVar's aggregate classification.

NM_198506.5(LRIT3):c.1182A>G (p.Thr394=)

Gene: LRIT3 (leucine rich repeat, Ig-like and transmembrane domains 3; plus strand). Cytogenetic location: 4q25.
Variant type: single nucleotide variant.
Coding change: c.1182A>G on transcript NM_198506.5 (MANE Select); coding-DNA position 1182, A replaced by G.
Protein change: p.Thr394=; no amino-acid change (threonine 394 retained).
Molecular consequence: synonymous variant.
Genome position (GRCh38, 1-based): chr4:109,869,931, A>G. VCF-style: chr4-109869931-A-G. GRCh37 (hg19) VCF-style: chr4-110791087-A-G.
Identifiers: ClinVar variation 197395 (VCV000197395.24), dbSNP rs184650144, ClinGen allele CA245502.
Genomic context (GRCh38, chr4:109,869,931, plus strand): 5'-AAGATCTACATCTGTATCTAGCGCATCATCATATCTTTGGTCCTCTTCCTTCTCCCCCAC[A>G]TCTTCTTTTTCTGCTTCTACTTTGTCTCCTCCCTCTACTGCTTCCTTCTCTTTATCTCCT-3'
Protein context (NP_940908.3, residues 384-404): SYLWSSSFSP[Thr394=]SSFSASTLSP